The following is an entry in ClinVar:

ClinVar aggregate classification (germline): Uncertain significance (1 of 4 stars; one submission).

Allele frequency attached by ClinVar (database versions not stated): gnomAD exomes below 0.00001; ExAC 0.00001.
gnomAD v4.1: 1 of 1,614,178 alleles (0.000062%); highest among the groups gnomAD compares: Non-Finnish European, 0.000085%; no homozygotes.

Submission:

Labcorp Genetics (formerly Invitae), Labcorp
Classification: Uncertain significance. Last evaluated: 2023-04-09. Review status: criteria provided, single submitter. Criteria: Invitae Variant Classification Sherloc (09022015). Collection method: clinical testing. Allele origin: germline.
Comment: This variant is present in population databases (rs774294306, gnomAD 0.0009%). This sequence change replaces glycine, which is neutral and non-polar, with glutamic acid, which is acidic and polar, at codon 747 of the KANK1 protein (p.Gly747Glu). This variant has not been reported in the literature in individuals affected with KANK1-related conditions. Advanced modeling of protein sequence and biophysical properties (such as structural, functional, and spatial information, amino acid conservation, physicochemical variation, residue mobility, and thermodynamic stability) performed at Invitae indicates that this missense variant is not expected to disrupt KANK1 protein function. In summary, the available evidence is currently insufficient to determine the role of this variant in disease. Therefore, it has been classified as a Variant of Uncertain Significance.

NM_015158.5(KANK1):c.2240G>A (p.Gly747Glu)

Gene: KANK1 (KN motif and ankyrin repeat domains 1; plus strand). Cytogenetic location: 9p24.3.
Variant type: single nucleotide variant.
Coding change: c.2240G>A on transcript NM_015158.5 (MANE Select); coding-DNA position 2240, G replaced by A.
Protein change: p.Gly747Glu; replaces glycine 747 with glutamic acid.
Molecular consequence: missense variant. On other transcripts: non-coding transcript variant (1).
Genome position (GRCh38, 1-based): chr9:713,006, G>A. VCF-style: chr9-713006-G-A. GRCh37 (hg19) VCF-style: chr9-713006-G-A.
Other names: c.2240G>A, p.Gly747Glu (NM_001256876.3, NM_001256877.3, NM_001354331.2 and 2 more transcripts); c.1766G>A, p.Gly589Glu (NM_001354333.2, NM_001354335.2, NM_001354336.2 and 9 more transcripts); short protein forms G589E, G747E.
Identifiers: ClinVar variation 2802569 (VCV002802569.3), dbSNP rs774294306, ClinGen allele CA4960467.